The following is an entry in ClinVar:

ClinVar aggregate classification (germline): Uncertain significance. Review status: criteria provided, multiple submitters, no conflicts (2 of 4 stars). 2 submissions from 2 submitters: Uncertain significance (2). Last evaluated 2023-08-23.

Conditions:
Hereditary cancer-predisposing syndrome. Also called: Hereditary Cancer Syndrome; Hereditary neoplastic syndrome; Neoplastic Syndromes, Hereditary; Tumor predisposition. Identifiers: Orphanet 140162, MedGen C0027672, MeSH D009386, MONDO:0015356.
Ataxia-telangiectasia syndrome (AT). Also called: Ataxia-telangiectasia, complementation group E; LOUIS-BAR SYNDROME; Cerebello-oculocutaneous telangiectasia; Immunodeficiency with ataxia telangiectasia; Ataxia-telangiectasia, complementation group D; AT, COMPLEMENTATION GROUP C. Identifiers: Orphanet 100, MedGen C0004135, MONDO:0008840, OMIM 208900.

Submissions (2):

Labcorp Genetics (formerly Invitae), Labcorp
Classification: Uncertain significance for Ataxia-telangiectasia syndrome. Last evaluated: 2023-08-23. Review status: criteria provided, single submitter. Criteria: Invitae Variant Classification Sherloc (09022015). Collection method: clinical testing. Allele origin: germline.
Comment: In summary, the available evidence is currently insufficient to determine the role of this variant in disease. Therefore, it has been classified as a Variant of Uncertain Significance. An algorithm developed to predict the effect of missense changes on protein structure and function (PolyPhen-2) suggests that this variant is likely to be disruptive. ClinVar contains an entry for this variant (Variation ID: 922818). This variant has not been reported in the literature in individuals affected with ATM-related conditions. This variant is not present in population databases (gnomAD no frequency). This sequence change replaces cysteine, which is neutral and slightly polar, with phenylalanine, which is neutral and non-polar, at codon 1674 of the ATM protein (p.Cys1674Phe).

Color Diagnostics, LLC DBA Color Health
Classification: Uncertain significance for Hereditary cancer-predisposing syndrome. Last evaluated: 2019-03-26. Review status: criteria provided, single submitter. Criteria: ACMG Guidelines, 2015. Collection method: clinical testing. Allele origin: germline.

NM_000051.4(ATM):c.5021G>T (p.Cys1674Phe)

Gene: ATM (ATM serine/threonine kinase; plus strand). Cytogenetic location: 11q22.3.
Variant type: single nucleotide variant.
Coding change: c.5021G>T on transcript NM_000051.4 (MANE Select); coding-DNA position 5021, G replaced by T.
Protein change: p.Cys1674Phe; replaces cysteine 1674 with phenylalanine.
Molecular consequence: missense variant.
Genome position (GRCh38, 1-based): chr11:108,299,729, G>T. VCF-style: chr11-108299729-G-T. GRCh37 (hg19) VCF-style: chr11-108170456-G-T.
Other names: c.5021G>T, p.Cys1674Phe (NM_001351834.2); short protein forms C1674F.
Identifiers: ClinVar variation 922818 (VCV000922818.5), dbSNP rs1555104518, ClinGen allele CA382540176.